The following is an entry in ClinVar:

NM_000548.5(TSC2):c.3962A>C (p.Glu1321Ala)

Gene: TSC2 (TSC complex subunit 2; plus strand). Cytogenetic location: 16p13.3.
Variant type: single nucleotide variant.
Coding change: c.3962A>C on transcript NM_000548.5 (MANE Select); coding-DNA position 3962, A replaced by C.
Protein change: p.Glu1321Ala; replaces glutamic acid 1321 with alanine.
Molecular consequence: missense variant. On other transcripts: non-coding transcript variant (5).
Genome position (GRCh38, 1-based): chr16:2,083,773, A>C. VCF-style: chr16-2083773-A-C. GRCh37 (hg19) VCF-style: chr16-2133774-A-C.
Other names: c.3293A>C, p.Glu1098Ala (NM_001406682.1, NM_001406683.1); c.3290A>C, p.Glu1097Ala (NM_001406684.1); c.3164A>C, p.Glu1055Ala (NM_001406685.1, NM_001406686.1); c.3161A>C, p.Glu1054Ala (NM_001406687.1, NM_001406688.1); c.2549A>C, p.Glu850Ala (NM_001406689.1); c.3761A>C, p.Glu1254Ala (NM_001077183.3); c.3893A>C, p.Glu1298Ala (NM_001114382.3); c.3653A>C, p.Glu1218Ala (NM_001318827.2); and 26 more; short protein forms E1054A, E1055A, E1077A, E1097A, E1098A, E1101A, E1121A, E1205A.
Identifiers: ClinVar variation 3072101 (VCV003072101.2), dbSNP rs587778736, ClinGen allele CA394297477.

ClinVar aggregate classification (germline): Uncertain significance. Review status: criteria provided, multiple submitters, no conflicts (2 of 4 stars). 2 submissions from 2 submitters: Uncertain significance (2). Last evaluated 2024-10-09.

Conditions:
Hereditary cancer-predisposing syndrome. Also called: Hereditary neoplastic syndrome; Neoplastic Syndromes, Hereditary; Tumor predisposition; Hereditary Cancer Syndrome. Identifiers: Orphanet 140162, MedGen C0027672, MeSH D009386, MONDO:0015356.
Tuberous sclerosis syndrome (TSC). Also called: Tuberous Sclerosis Complex; Tuberous sclerosis. Identifiers: Orphanet 805, MedGen C0041341, MONDO:0001734.

Allele frequency attached by ClinVar (database versions not stated): TOPMed below 0.00001.

Submissions (2):

Ambry Genetics
Classification: Uncertain significance for Hereditary cancer-predisposing syndrome. Last evaluated: 2024-10-09. Review status: criteria provided, single submitter. Criteria: Ambry Variant Classification Scheme 2023. Collection method: clinical testing. Allele origin: germline.
Comment: The p.E1321A variant (also known as c.3962A>C), located in coding exon 32 of the TSC2 gene, results from an A to C substitution at nucleotide position 3962. The glutamic acid at codon 1321 is replaced by alanine, an amino acid with dissimilar properties. This amino acid position is well conserved in available vertebrate species. In addition, the in silico prediction for this alteration is inconclusive. Based on the available evidence, the clinical significance of this variant remains unclear.

All of Us Research Program, National Institutes of Health
Classification: Uncertain significance for Tuberous sclerosis syndrome. Last evaluated: 2023-06-28. Review status: criteria provided, single submitter. Criteria: ACMG Guidelines, 2015. Collection method: clinical testing. Allele origin: germline. Inheritance: Autosomal dominant inheritance. Observed: 1 variant allele, 1 heterozygote.
Comment: This study involves interpretation of variants in research participants for the purpose of population health screening. Participant phenotype was not available at the time of variant classification. Additional details can be found in publication PMID: 35346344, PMCID: PMC8962531